The following is an entry in ClinVar:

ClinVar aggregate classification (germline): Uncertain significance (1 of 4 stars; one submission).

Conditions:
Multiple congenital anomalies-hypotonia-seizures syndrome 3 (MCAHS3). Also called: GLYCOSYLPHOSPHATIDYLINOSITOL BIOSYNTHESIS DEFECT 7. Identifiers: Orphanet 369837, MedGen C3809356, MONDO:0014165, OMIM 615398.

Submission:

Labcorp Genetics (formerly Invitae), Labcorp
Classification: Uncertain significance for Multiple congenital anomalies-hypotonia-seizures syndrome 3. Last evaluated: 2022-07-19. Review status: criteria provided, single submitter. Criteria: Invitae Variant Classification Sherloc (09022015). Collection method: clinical testing. Allele origin: germline.
Comment: This sequence change replaces threonine, which is neutral and polar, with serine, which is neutral and polar, at codon 510 of the PIGT protein (p.Thr510Ser). This variant is not present in population databases (gnomAD no frequency). This variant has not been reported in the literature in individuals affected with PIGT-related conditions. ClinVar contains an entry for this variant (Variation ID: 644490). Algorithms developed to predict the effect of missense changes on protein structure and function are either unavailable or do not agree on the potential impact of this missense change (SIFT: "Tolerated"; PolyPhen-2: "Probably Damaging"; Align-GVGD: "Class C0"). In summary, the available evidence is currently insufficient to determine the role of this variant in disease. Therefore, it has been classified as a Variant of Uncertain Significance.

NM_015937.6(PIGT):c.1528A>T (p.Thr510Ser)

Gene: PIGT (phosphatidylinositol glycan anchor biosynthesis class T; plus strand). Cytogenetic location: 20q13.12.
Variant type: single nucleotide variant.
Coding change: c.1528A>T on transcript NM_015937.6 (MANE Select); coding-DNA position 1528, A replaced by T.
Protein change: p.Thr510Ser; replaces threonine 510 with serine.
Molecular consequence: missense variant. On other transcripts: non-coding transcript variant (5).
Genome position (GRCh38, 1-based): chr20:45,425,617, A>T. VCF-style: chr20-45425617-A-T. GRCh37 (hg19) VCF-style: chr20-44054257-A-T.
Other names: c.1360A>T, p.Thr454Ser (NM_001184728.3); c.1327A>T, p.Thr443Ser (NM_001184729.3); c.1222A>T, p.Thr408Ser (NM_001184730.3); short protein forms T443S, T510S, T454S, T408S.
Identifiers: ClinVar variation 644490 (VCV000644490.9), dbSNP rs1600827703, ClinGen allele CA409171183.